The following is an entry in ClinVar:

NM_000435.3(NOTCH3):c.6019C>T (p.Leu2007=)

Gene: NOTCH3 (notch receptor 3; minus strand). Cytogenetic location: 19p13.12.
Variant type: single nucleotide variant.
Coding change: c.6019C>T on transcript NM_000435.3 (MANE Select); coding-DNA position 6019, C replaced by T.
Protein change: p.Leu2007=; no amino-acid change (leucine 2007 retained).
Molecular consequence: synonymous variant.
Genome position (GRCh38, 1-based): chr19:15,161,609, G>A on the plus strand (C>T on the coding strand, the complement: NOTCH3 is on the minus strand). VCF-style: chr19-15161609-G-A. GRCh37 (hg19) VCF-style: chr19-15272420-G-A.
Identifiers: ClinVar variation 3036989 (VCV003036989.2), dbSNP rs753635869, ClinGen allele CA9262446.

ClinVar aggregate classification (germline): Likely benign (0 of 4 stars; one submission).

Conditions:
NOTCH3-related disorder. Also called: NOTCH3-related condition; NOTCH3-related disorders.

Allele frequency attached by ClinVar (database versions not stated): gnomAD exomes 0.00001; gnomAD 0.00003; TOPMed 0.00003; ExAC 0.00004.
gnomAD v4.1: 24 of 1,613,040 alleles (0.0015%); highest among the groups gnomAD compares: Middle Eastern, 0.016%; no homozygotes.

Submission:

PreventionGenetics, part of Exact Sciences
Classification: Likely benign for NOTCH3-related condition. Last evaluated: 2023-07-17. Review status: no assertion criteria provided. Collection method: clinical testing. Allele origin: germline.
Comment: This variant is classified as likely benign based on ACMG/AMP sequence variant interpretation guidelines (Richards et al. 2015 PMID: 25741868, with internal and published modifications).